The following is an entry in ClinVar:

ClinVar aggregate classification (germline): Pathogenic/Likely pathogenic. Review status: criteria provided, multiple submitters, no conflicts (2 of 4 stars). 2 submissions from 2 submitters: Pathogenic (1); Likely pathogenic (1). Last evaluated 2026-03-10.

Conditions:
Dilated cardiomyopathy 1HH (CMD1HH). Identifiers: Orphanet 154, MedGen C3151293, MONDO:0013479, OMIM 613881.
Myofibrillar myopathy 6. Identifiers: Orphanet 199340, MedGen C2751831, MONDO:0013061, OMIM 612954.

Submissions (2):

Dasa
Classification: Likely pathogenic. Last evaluated: 2026-03-10. Review status: criteria provided, single submitter. Criteria: DASA Assertion Criteria. Collection method: clinical testing. Allele origin: germline.
Comment: NM_004281.4(BAG3):c.821C>A (p.Ser274*) is a nonsense variant in BAG3 predicted to introduce a premature termination codon and is predicted to result in an absent or altered protein product. Loss of function is an established disease mechanism for BAG3 (PMID: 21353195; PMID: 25008357; PMID: 21459883). Published studies describe this variant in association with related phenotype (PMID: 36382946). Also, this variant is rare in population databases. Based on the currently available evidence, this variant is classified as likely pathogenic.

Fulgent Genetics
Classification: Pathogenic for Myofibrillar myopathy 6; Dilated cardiomyopathy 1HH. Last evaluated: 2024-02-28. Review status: criteria provided, single submitter. Criteria: ACMG Guidelines, 2015. Collection method: clinical testing. Allele origin: germline.

Literature cited by the submitters: PubMed 36382946 (cited by Dasa); PubMed 21353195 (cited by Dasa); PubMed 25008357 (cited by Dasa); PubMed 21459883 (cited by Dasa).

NM_004281.4(BAG3):c.821C>A (p.Ser274Ter)

Gene: BAG3 (BAG cochaperone 3; plus strand). Cytogenetic location: 10q26.11.
Variant type: single nucleotide variant.
Coding change: c.821C>A on transcript NM_004281.4 (MANE Select); coding-DNA position 821, C replaced by A.
Protein change: p.Ser274Ter; replaces serine 274 with a stop codon.
Molecular consequence: nonsense.
Genome position (GRCh38, 1-based): chr10:119,672,568, C>A. VCF-style: chr10-119672568-C-A. GRCh37 (hg19) VCF-style: chr10-121432080-C-A.
Other names: short protein forms S274*.
Identifiers: ClinVar variation 3590709 (VCV003590709.3), dbSNP rs143919208.